The following is an entry in ClinVar:

NM_004183.4(BEST1):c.224T>C (p.Leu75Pro)

Gene: BEST1 (bestrophin 1; plus strand). Cytogenetic location: 11q12.3.
Variant type: single nucleotide variant.
Coding change: c.224T>C on transcript NM_004183.4 (MANE Select); coding-DNA position 224, T replaced by C.
Protein change: p.Leu75Pro; replaces leucine 75 with proline.
Molecular consequence: missense variant. On other transcripts: non-coding transcript variant (1).
Genome position (GRCh38, 1-based): chr11:61,955,178, T>C. VCF-style: chr11-61955178-T-C. GRCh37 (hg19) VCF-style: chr11-61722650-T-C.
Other names: c.44T>C, p.Leu15Pro (NM_001139443.3, NM_001300786.2, NM_001300787.2); c.224T>C, p.Leu75Pro (NM_001363592.2); short protein forms L75P, L15P.
Identifiers: ClinVar variation 1375926 (VCV001375926.8), dbSNP rs2134425822, ClinGen allele CA380833767.

ClinVar aggregate classification (germline): Pathogenic (1 of 4 stars; one submission).

Submission:

Labcorp Genetics (formerly Invitae), Labcorp
Classification: Pathogenic. Last evaluated: 2023-08-28. Review status: criteria provided, single submitter. Criteria: Invitae Variant Classification Sherloc (09022015). Collection method: clinical testing. Allele origin: germline.
Comment: This sequence change replaces leucine, which is neutral and non-polar, with proline, which is neutral and non-polar, at codon 75 of the BEST1 protein (p.Leu75Pro). This variant is not present in population databases (gnomAD no frequency). This missense change has been observed in individual(s) with autosomal dominant vitelliform macular dystrophy (PMID: 29781975). It has also been observed to segregate with disease in related individuals. ClinVar contains an entry for this variant (Variation ID: 1375926). Advanced modeling of protein sequence and biophysical properties (such as structural, functional, and spatial information, amino acid conservation, physicochemical variation, residue mobility, and thermodynamic stability) performed at Invitae indicates that this missense variant is expected to disrupt BEST1 protein function. For these reasons, this variant has been classified as Pathogenic.

Literature cited by the submitters: PubMed 29781975.